The following is an entry in ClinVar:

ClinVar aggregate classification (germline): Uncertain significance (1 of 4 stars; one submission).

Conditions:
Supravalvar aortic stenosis (SVAS). Also called: Supravalvar aortic stenosis, Eisenberg type. Identifiers: Orphanet 3193, MedGen C0003499, MONDO:0008504, OMIM 185500, HP:0004381.

Allele frequency attached by ClinVar (database versions not stated): gnomAD exomes below 0.00001.
gnomAD v4.1: 1 of 1,614,154 alleles (0.000062%); highest among the groups gnomAD compares: South Asian, 0.0011%; no homozygotes.

Submission:

Labcorp Genetics (formerly Invitae), Labcorp
Classification: Uncertain significance for Supravalvar aortic stenosis. Last evaluated: 2022-02-24. Review status: criteria provided, single submitter. Criteria: Invitae Variant Classification Sherloc (09022015). Collection method: clinical testing. Allele origin: germline.
Comment: Disruption of this splice site has been observed in individual(s) with supravalvular aortic stenosis (Invitae). This variant is present in population databases (no rsID available, gnomAD 0.003%). This sequence change affects an acceptor splice site in intron 33 of the ELN gene. While this variant is not anticipated to result in nonsense mediated decay, it likely alters RNA splicing and results in a disrupted protein product. Variants that disrupt the consensus splice site are a relatively common cause of aberrant splicing (PMID: 17576681, 9536098). Algorithms developed to predict the effect of sequence changes on RNA splicing suggest that this variant may disrupt the consensus splice site. In summary, the available evidence is currently insufficient to determine the role of this variant in disease. Therefore, it has been classified as a Variant of Uncertain Significance.

Literature cited by the submitters: PubMed 17576681; PubMed 9536098.

NM_000501.4(ELN):c.2132-2A>G

Gene: ELN (elastin; plus strand). Cytogenetic location: 7q11.23.
Variant type: single nucleotide variant.
Coding change: c.2132-2A>G on transcript NM_000501.4 (MANE Select); the canonical splice acceptor site of the intron before coding-DNA position 2132, A replaced by G.
Molecular consequence: splice acceptor variant.
Genome position (GRCh38, 1-based): chr7:74,068,655, A>G. VCF-style: chr7-74068655-A-G. GRCh37 (hg19) VCF-style: chr7-73482985-A-G.
Other names: c.2093-2A>G (NM_001081754.3); c.2036-2A>G (NM_001081753.3); c.2318-2A>G (NM_001278939.2); c.2150-2A>G (NM_001278915.2); c.2078-2A>G (NM_001278912.2); c.2075-2A>G (NM_001081755.3); c.1934-2A>G (NM_001278916.2); c.1889-2A>G (NM_001278913.2); and 4 more.
Identifiers: ClinVar variation 2094239 (VCV002094239.4), dbSNP rs1554690567, ClinGen allele CA367891947.